The following is an entry in ClinVar:

ClinVar aggregate classification (germline): Uncertain significance (1 of 4 stars; one submission).

Conditions:
Neuropathy, hereditary sensory and autonomic, type 2A (HSAN2A). Also called: ACROOSTEOLYSIS, GIACCAI TYPE; ACROOSTEOLYSIS, NEUROGENIC; MORVAN DISEASE; NEUROPATHY, CONGENITAL SENSORY; NEUROPATHY, HEREDITARY SENSORY RADICULAR, AUTOSOMAL RECESSIVE; NEUROPATHY, HEREDITARY SENSORY, TYPE IIA. Identifiers: Orphanet 970, MedGen C2752089, MONDO:0024309, OMIM 201300.
Pseudohypoaldosteronism type 2C (PHA2C). Also called: Pseudohypoaldosteronism Type IIC. Identifiers: Orphanet 757, Orphanet 88940, MedGen C1840391, MONDO:0013778, OMIM 614492.

Allele frequency attached by ClinVar (database versions not stated): TOPMed below 0.00001.
gnomAD v4.1: 11 of 1,613,698 alleles (0.00068%); highest among the groups gnomAD compares: Non-Finnish European, 0.000085%; no homozygotes.

Submission:

Labcorp Genetics (formerly Invitae), Labcorp
Classification: Uncertain significance for Neuropathy, hereditary sensory and autonomic, type 2A; Pseudohypoaldosteronism type 2C. Last evaluated: 2022-06-10. Review status: criteria provided, single submitter. Criteria: Invitae Variant Classification Sherloc (09022015). Collection method: clinical testing. Allele origin: germline.
Comment: In summary, the available evidence is currently insufficient to determine the role of this variant in disease. Therefore, it has been classified as a Variant of Uncertain Significance. Advanced modeling of protein sequence and biophysical properties (such as structural, functional, and spatial information, amino acid conservation, physicochemical variation, residue mobility, and thermodynamic stability) performed at Invitae indicates that this missense variant is not expected to disrupt WNK1 protein function. This variant has not been reported in the literature in individuals affected with WNK1-related conditions. This variant is not present in population databases (gnomAD no frequency). This sequence change replaces proline, which is neutral and non-polar, with serine, which is neutral and polar, at codon 909 of the WNK1 protein (p.Pro909Ser).

NM_213655.5(WNK1):c.2725C>T (p.Pro909Ser)

Gene: WNK1 (WNK lysine deficient protein kinase 1; plus strand). Cytogenetic location: 12p13.33.
Variant type: single nucleotide variant.
Coding change: c.2725C>T on transcript NM_213655.5 (MANE Plus Clinical); coding-DNA position 2725, C replaced by T.
Protein change: p.Pro909Ser; replaces proline 909 with serine.
Molecular consequence: missense variant. On other transcripts: intron variant (2).
Genome position (GRCh38, 1-based): chr12:868,196, C>T. VCF-style: chr12-868196-C-T. GRCh37 (hg19) VCF-style: chr12-977362-C-T.
Other names: c.2470C>T, p.Pro824Ser (NM_001184985.2); c.2140-3069C>T (NM_018979.4, NM_014823.3); short protein forms P824S, P909S.
Identifiers: ClinVar variation 2060617 (VCV002060617.4), dbSNP rs939997163, ClinGen allele CA231498768.
Genomic context (GRCh38, chr12:868,196, plus strand): 5'-ACTACAGCCAGTAGAGTAACTGGAGAGTCATGTGAGATACAGGTCCATCCTATGTTTGAA[C>T]CATCTCAAGTTTACAGTGACTATAGACCTGGACTAGTACTTCCAGAAGAAGCTCACTATT-3'
Protein context (NP_998820.3, residues 899-919): CEIQVHPMFE[Pro909Ser]SQVYSDYRPG